The following is an entry in ClinVar:

ClinVar aggregate classification (germline): Uncertain significance. Review status: criteria provided, multiple submitters, no conflicts (2 of 4 stars). 2 submissions from 2 submitters: Uncertain significance (2). Last evaluated 2025-11-02.

Conditions:
Inborn genetic diseases. Identifiers: MedGen C0950123, MeSH D030342.

Allele frequency attached by ClinVar (database versions not stated): gnomAD 0.00001.
gnomAD v4.1: 19 of 1,595,594 alleles (0.0012%); highest among the groups gnomAD compares: Non-Finnish European, 0.0016%; no homozygotes.

Submissions (2):

Ambry Genetics
Classification: Uncertain significance for Inborn genetic diseases. Last evaluated: 2025-11-02. Review status: criteria provided, single submitter. Criteria: Ambry Variant Classification Scheme 2023. Collection method: clinical testing. Allele origin: germline.

Labcorp Genetics (formerly Invitae), Labcorp
Classification: Uncertain significance. Last evaluated: 2022-04-29. Review status: criteria provided, single submitter. Criteria: Invitae Variant Classification Sherloc (09022015). Collection method: clinical testing. Allele origin: germline.
Comment: This sequence change replaces histidine, which is basic and polar, with glutamine, which is neutral and polar, at codon 578 of the SZT2 protein (p.His578Gln). This variant is not present in population databases (gnomAD no frequency). This variant has not been reported in the literature in individuals affected with SZT2-related conditions. Algorithms developed to predict the effect of missense changes on protein structure and function are either unavailable or do not agree on the potential impact of this missense change (SIFT: "Deleterious"; PolyPhen-2: "Probably Damaging"; Align-GVGD: "Class C0"). In summary, the available evidence is currently insufficient to determine the role of this variant in disease. Therefore, it has been classified as a Variant of Uncertain Significance.

NM_001365999.1(SZT2):c.1734C>A (p.His578Gln)

Gene: SZT2 (SZT2 subunit of KICSTOR complex; plus strand). Cytogenetic location: 1p34.2.
Variant type: single nucleotide variant.
Coding change: c.1734C>A on transcript NM_001365999.1 (MANE Select); coding-DNA position 1734, C replaced by A.
Protein change: p.His578Gln; replaces histidine 578 with glutamine.
Molecular consequence: missense variant.
Genome position (GRCh38, 1-based): chr1:43,422,190, C>A. VCF-style: chr1-43422190-C-A. GRCh37 (hg19) VCF-style: chr1-43887861-C-A.
Other names: c.1734C>A, p.His578Gln (NM_015284.4); c.1734C>A (NM_015284.3); short protein forms H578Q.
Identifiers: ClinVar variation 1501797 (VCV001501797.6), dbSNP rs1170376629, ClinGen allele CA340009776.